The following is an entry in ClinVar:

NM_015557.3(CHD5):c.1693A>G (p.Ser565Gly)

Gene: CHD5 (chromodomain helicase DNA binding protein 5; minus strand). Cytogenetic location: 1p36.31.
Variant type: single nucleotide variant.
Coding change: c.1693A>G on transcript NM_015557.3 (MANE Select); coding-DNA position 1693, A replaced by G.
Protein change: p.Ser565Gly; replaces serine 565 with glycine.
Molecular consequence: missense variant.
Genome position (GRCh38, 1-based): chr1:6,146,321, T>C on the plus strand (A>G on the coding strand, the complement: CHD5 is on the minus strand). VCF-style: chr1-6146321-T-C. GRCh37 (hg19) VCF-style: chr1-6206381-T-C.
Other names: short protein forms S565G.
Identifiers: ClinVar variation 3776491 (VCV003776491.1).

ClinVar aggregate classification (germline): Uncertain significance (1 of 4 stars; one submission).

gnomAD v4.1: 1 of 1,614,152 alleles (0.000062%); highest among the groups gnomAD compares: South Asian, 0.0011%; no homozygotes.

Submission:

GeneDx
Classification: Uncertain significance. Last evaluated: 2024-10-02. Review status: criteria provided, single submitter. Criteria: GeneDx Variant Classification Process June 2021. Collection method: clinical testing. Allele origin: germline. Affected: yes.
Comment: Not observed at significant frequency in large population cohorts (gnomAD); In silico analysis supports that this missense variant has a deleterious effect on protein structure/function; Has not been previously published as pathogenic or benign to our knowledge